The following is an entry in ClinVar:

ClinVar aggregate classification (germline): Likely benign. Review status: criteria provided, multiple submitters, no conflicts (2 of 4 stars). 2 submissions from 2 submitters: Likely benign (2). Last evaluated 2026-04-02.

Conditions:
MAPKBP1-related disorder. Also called: MAPKBP1-related condition.

Allele frequency attached by ClinVar (database versions not stated): gnomAD exomes 0.00001 and 0.00004; ExAC 0.00005; TOPMed 0.00023; gnomAD 0.00024 and 0.00028.

Submissions (2):

PreventionGenetics, part of Exact Sciences
Classification: Likely benign for MAPKBP1-related condition. Last evaluated: 2026-04-02. Review status: criteria provided, single submitter. Criteria: ACMG Guidelines, 2015. Collection method: clinical testing. Allele origin: germline.
Comment: This variant is classified as likely benign based on ACMG/AMP sequence variant interpretation guidelines (Richards et al. 2015 PMID: 25741868, with internal and published modifications).

Labcorp Genetics (formerly Invitae), Labcorp
Classification: Likely benign. Last evaluated: 2025-06-12. Review status: criteria provided, single submitter. Criteria: Invitae Variant Classification Sherloc (09022015). Collection method: clinical testing. Allele origin: germline.

NM_014994.3(MAPKBP1):c.4431T>C (p.Pro1477=)

Gene: MAPKBP1 (mitogen-activated protein kinase binding protein 1; plus strand). Cytogenetic location: 15q15.1.
Variant type: single nucleotide variant.
Coding change: c.4431T>C on transcript NM_014994.3 (MANE Select); coding-DNA position 4431, T replaced by C.
Protein change: p.Pro1477=; no amino-acid change (proline 1477 retained).
Molecular consequence: synonymous variant. On other transcripts: non-coding transcript variant (2).
Genome position (GRCh38, 1-based): chr15:41,825,340, T>C. VCF-style: chr15-41825340-T-C. GRCh37 (hg19) VCF-style: chr15-42117538-T-C.
Other names: c.4449T>C, p.Pro1483= (NM_001128608.2); c.3600T>C, p.Pro1200= (NM_001265611.2).
Identifiers: ClinVar variation 798320 (VCV000798320.9), dbSNP rs749521786, ClinGen allele CA7498829.